The following is an entry in ClinVar:

NM_001370259.2(MEN1):c.556T>A (p.Phe186Ile)

Gene: MEN1 (menin 1; minus strand). Cytogenetic location: 11q13.1.
Variant type: single nucleotide variant.
Coding change: c.556T>A on transcript NM_001370259.2 (MANE Select); coding-DNA position 556, T replaced by A.
Protein change: p.Phe186Ile; replaces phenylalanine 186 with isoleucine.
Molecular consequence: missense variant. On other transcripts: non-coding transcript variant (4), intron variant (5).
Genome position (GRCh38, 1-based): chr11:64,807,989, A>T on the plus strand (T>A on the coding strand, the complement: MEN1 is on the minus strand). VCF-style: chr11-64807989-A-T. GRCh37 (hg19) VCF-style: chr11-64575461-A-T.
Other names: c.571T>A, p.Phe191Ile (NM_130801.3, NM_130802.3, NM_130803.3 and 5 more transcripts); c.549+7T>A (NM_001407148.1, NM_001407149.1, NM_001407151.1 and 2 more transcripts); c.556T>A, p.Phe186Ile (NM_001370251.2, NM_001370260.2, NM_001370261.2 and 7 more transcripts); short protein forms F191I, F186I.
Identifiers: ClinVar variation 3872242 (VCV003872242.2).
Genomic context (GRCh38, chr11:64,807,989, plus strand): 5'-GGTCCTCGTTGCCCTTGCCGTGCCAGGTGACCTCAGCTGTCTGCTCCCCATTGGGCCCAA[A>T]CACTACCCAGGCATGATCCTCAGACAGGGCGAGGTGGACATCCCGGAGACCCAGGGCCTG-3'
Protein context (NP_001357188.2, residues 176-196): ALSEDHAWVV[Phe186Ile]GPNGEQTAEV

ClinVar aggregate classification (germline): Uncertain significance. Review status: criteria provided, multiple submitters, no conflicts (2 of 4 stars). 2 submissions from 2 submitters: Uncertain significance (2). Last evaluated 2025-11-03.

Conditions:
Multiple endocrine neoplasia, type 1 (MEN1). Also called: Endocrine adenomatosis multiple; MEN 1; MEA I; MEN I; WERMER SYNDROME. Identifiers: Orphanet 652, MedGen C0025267, MeSH D018761, MONDO:0007540, OMIM 131100.
Hereditary cancer-predisposing syndrome. Also called: Neoplastic Syndromes, Hereditary; Tumor predisposition; Hereditary neoplastic syndrome; Hereditary Cancer Syndrome. Identifiers: Orphanet 140162, MedGen C0027672, MeSH D009386, MONDO:0015356.

gnomAD v4.1: 1 of 1,614,022 alleles (0.000062%); highest among the groups gnomAD compares: Non-Finnish European, 0.000085%; no homozygotes.

Submissions (2):

Labcorp Genetics (formerly Invitae), Labcorp
Classification: Uncertain significance for Multiple endocrine neoplasia, type 1. Last evaluated: 2025-11-03. Review status: criteria provided, single submitter. Criteria: Invitae Variant Classification Sherloc (09022015). Collection method: clinical testing. Allele origin: germline.
Comment: This sequence change replaces phenylalanine, which is neutral and non-polar, with isoleucine, which is neutral and non-polar, at codon 186 of the MEN1 protein (p.Phe186Ile). This variant is not present in population databases (gnomAD no frequency). This variant has not been reported in the literature in individuals affected with MEN1-related conditions. ClinVar contains an entry for this variant (Variation ID: 3872242). Invitae Evidence Modeling of protein sequence and biophysical properties (such as structural, functional, and spatial information, amino acid conservation, physicochemical variation, residue mobility, and thermodynamic stability) indicates that this missense variant is expected to disrupt MEN1 protein function with a positive predictive value of 95%. In summary, the available evidence is currently insufficient to determine the role of this variant in disease. Therefore, it has been classified as a Variant of Uncertain Significance.

Ambry Genetics
Classification: Uncertain significance for Hereditary cancer-predisposing syndrome. Last evaluated: 2025-01-14. Review status: criteria provided, single submitter. Criteria: Ambry Variant Classification Scheme 2023. Collection method: clinical testing. Allele origin: germline.
Comment: The p.F186I variant (also known as c.556T>A), located in coding exon 2 of the MEN1 gene, results from a T to A substitution at nucleotide position 556. The phenylalanine at codon 186 is replaced by isoleucine, an amino acid with highly similar properties. This amino acid position is highly conserved in available vertebrate species. In addition, this alteration is predicted to be deleterious by in silico analysis. Based on the available evidence, the clinical significance of this variant remains unclear.